The following is an entry in ClinVar:

ClinVar aggregate classification (germline): Uncertain significance. Review status: criteria provided, multiple submitters, no conflicts (2 of 4 stars). 4 submissions from 4 submitters: Uncertain significance (4). Last evaluated 2024-10-19.

Conditions:
Catecholaminergic polymorphic ventricular tachycardia 1. Also called: RYR2-Related Catecholaminergic Polymorphic Ventricular Tachycardia; VENTRICULAR TACHYCARDIA, STRESS-INDUCED POLYMORPHIC 1; VENTRICULAR TACHYCARDIA, CATECHOLAMINERGIC POLYMORPHIC, 1, WITH OR WITHOUT ATRIAL DYSFUNCTION AND/OR DILATED CARDIOMYOPATHY. Identifiers: Orphanet 3286, MedGen C1631597, MONDO:0011484, OMIM 604772.
Catecholaminergic polymorphic ventricular tachycardia 5 (CARDAR). Also called: Ventricular tachycardia, catecholaminergic polymorphic, 5, with or without muscle weakness; CARDIAC ARRHYTHMIA SYNDROME, WITH OR WITHOUT SKELETAL MUSCLE WEAKNESS. Identifiers: Orphanet 3286, MedGen C3809536, MONDO:0014191, OMIM 615441.
Cardiovascular phenotype. Identifiers: MedGen CN230736.

Allele frequency attached by ClinVar (database versions not stated): gnomAD 0.00001; gnomAD exomes 0.00002 and 0.00008; ExAC 0.00004.
gnomAD v4.1: 25 of 1,579,694 alleles (0.0016%); highest among the groups gnomAD compares: Admixed American, 0.036%; no homozygotes.

Submissions (4):

Ambry Genetics
Classification: Uncertain significance for Cardiovascular phenotype. Last evaluated: 2024-10-19. Review status: criteria provided, single submitter. Criteria: Ambry Variant Classification Scheme 2023. Collection method: clinical testing. Allele origin: germline.
Comment: The p.D112V variant (also known as c.335A>T), located in coding exon 3 of the TRDN gene, results from an A to T substitution at nucleotide position 335. The aspartic acid at codon 112 is replaced by valine, an amino acid with highly dissimilar properties. This amino acid position is highly conserved in available vertebrate species. In addition, this alteration is predicted to be deleterious by in silico analysis. Since supporting evidence is limited at this time, the clinical significance of this alteration remains unclear.

GeneDx
Classification: Uncertain significance. Last evaluated: 2022-08-10. Review status: criteria provided, single submitter. Criteria: GeneDx Variant Classification Process June 2021. Collection method: clinical testing. Allele origin: germline. Affected: yes.
Comment: In silico analysis supports that this missense variant has a deleterious effect on protein structure/function; Has not been previously published as pathogenic or benign to our knowledge

Labcorp Genetics (formerly Invitae), Labcorp
Classification: Uncertain significance for Catecholaminergic polymorphic ventricular tachycardia 1. Last evaluated: 2022-06-26. Review status: criteria provided, single submitter. Criteria: Invitae Variant Classification Sherloc (09022015). Collection method: clinical testing. Allele origin: germline.
Comment: This sequence change replaces aspartic acid, which is acidic and polar, with valine, which is neutral and non-polar, at codon 112 of the TRDN protein (p.Asp112Val). This variant is present in population databases (rs772376488, gnomAD 0.06%). This variant has not been reported in the literature in individuals affected with TRDN-related conditions. Algorithms developed to predict the effect of missense changes on protein structure and function are either unavailable or do not agree on the potential impact of this missense change (SIFT: "Deleterious"; PolyPhen-2: "Not Available"; Align-GVGD: "Class C0"). In summary, the available evidence is currently insufficient to determine the role of this variant in disease. Therefore, it has been classified as a Variant of Uncertain Significance.

Fulgent Genetics
Classification: Uncertain significance for Catecholaminergic polymorphic ventricular tachycardia 1; Catecholaminergic polymorphic ventricular tachycardia 5. Last evaluated: 2021-11-02. Review status: criteria provided, single submitter. Criteria: ACMG Guidelines, 2015. Collection method: clinical testing. Allele origin: unknown.

NM_006073.4(TRDN):c.335A>T (p.Asp112Val)

Gene: TRDN (triadin; minus strand). Cytogenetic location: 6q22.31.
Variant type: single nucleotide variant.
Coding change: c.335A>T on transcript NM_006073.4 (MANE Select); coding-DNA position 335, A replaced by T.
Protein change: p.Asp112Val; replaces aspartic acid 112 with valine.
Molecular consequence: missense variant.
Genome position (GRCh38, 1-based): chr6:123,548,510, T>A on the plus strand (A>T on the coding strand, the complement: TRDN is on the minus strand). VCF-style: chr6-123548510-T-A. GRCh37 (hg19) VCF-style: chr6-123869655-T-A.
Other names: c.335A>T (NM_006073.3); c.335A>T, p.Asp112Val (NM_001256020.2, NM_001256021.2, NM_001256022.2 and 1 more transcripts); short protein forms D112V.
Identifiers: ClinVar variation 1419569 (VCV001419569.9), dbSNP rs772376488, ClinGen allele CA3984416.